The following is an entry in ClinVar:

ClinVar aggregate classification (germline): Pathogenic/Likely pathogenic. Review status: criteria provided, multiple submitters, no conflicts (2 of 4 stars). 3 submissions from 3 submitters: Pathogenic (1); Likely pathogenic (2). Last evaluated 2025-08-27.

Conditions:
Hematuria. Identifiers: MedGen C0018965, HP:0000790.
X-linked Alport syndrome (ATS1). Also called: COL4A5-Related Nephropathy; NEPHROPATHY AND DEAFNESS, X-LINKED. Identifiers: Orphanet 63, Orphanet 88917, MedGen C4746986, MONDO:0010520, OMIM 301050.

Submissions (3):

Genetics Laboratory, Great Ormond Street Hospital NHS Foundation Trust, North Thames Genomic Laboratory Hub
Classification: Pathogenic for Haematuria. Last evaluated: 2025-08-27. Review status: criteria provided, single submitter. Criteria: ACGS Best Practice Guidelines for Variant Classification in Rare Disease 2024 v1.2. Collection method: clinical testing. Allele origin: germline. Affected: yes.
Comment: PM2_moderate, PP3_supporting, PM5_supporting, PM1_strong, PM6_moderate

Fulgent Genetics
Classification: Likely pathogenic for X-linked Alport syndrome. Last evaluated: 2024-03-02. Review status: criteria provided, single submitter. Criteria: ACMG Guidelines, 2015. Collection method: clinical testing. Allele origin: germline.

Labcorp Genetics (formerly Invitae), Labcorp
Classification: Likely pathogenic. Last evaluated: 2020-11-14. Review status: criteria provided, single submitter. Criteria: Invitae Variant Classification Sherloc (09022015). Collection method: clinical testing. Allele origin: germline.
Comment: This sequence change replaces glycine with aspartic acid at codon 497 of the COL4A5 protein (p.Gly497Asp). The glycine residue is highly conserved and there is a moderate physicochemical difference between glycine and aspartic acid. This variant is not present in population databases (ExAC no frequency). This variant has been observed in individual(s) with clinical features of Alport syndrome (Invitae). Advanced modeling of protein sequence and biophysical properties (such as structural, functional, and spatial information, amino acid conservation, physicochemical variation, residue mobility, and thermodynamic stability) performed at Invitae indicates that this missense variant is expected to disrupt COL4A5 protein function. This variant disrupts the triple helix domain of COL4A5. Glycine residues within the Gly-Xaa-Yaa repeats of the triple helix domain are required for the structure and stability of fibrillar collagens (PMID: 7695699, 8218237, 19344236). In COL4A5, missense variants at these glycine residues are significantly enriched in individuals with disease (PMID: 23720012, 27627812) compared to the general population (ExAC). In summary, the currently available evidence indicates that the variant is pathogenic, but additional data are needed to prove that conclusively. Therefore, this variant has been classified as Likely Pathogenic. This variant disrupts the p.Gly497 amino acid residue in COL4A5. Other variant(s) that disrupt this residue have been observed in individuals with COL4A5-related conditions (PMID: 8940267), which suggests that this may be a clinically significant amino acid residue.

Literature cited by the submitters: PubMed 7695699 (cited by Labcorp Genetics (formerly Invitae), Labcorp); PubMed 8218237 (cited by Labcorp Genetics (formerly Invitae), Labcorp); PubMed 19344236 (cited by Labcorp Genetics (formerly Invitae), Labcorp); PubMed 23720012 (cited by Labcorp Genetics (formerly Invitae), Labcorp); PubMed 27627812 (cited by Labcorp Genetics (formerly Invitae), Labcorp); PubMed 8940267 (cited by Labcorp Genetics (formerly Invitae), Labcorp).

NM_033380.3(COL4A5):c.1490G>A (p.Gly497Asp)

Gene: COL4A5 (collagen type IV alpha 5 chain; plus strand). Cytogenetic location: Xq22.3.
Variant type: single nucleotide variant.
Coding change: c.1490G>A on transcript NM_033380.3 (MANE Select); coding-DNA position 1490, G replaced by A.
Protein change: p.Gly497Asp; replaces glycine 497 with aspartic acid.
Molecular consequence: missense variant.
Genome position (GRCh38, 1-based): chrX:108,595,575, G>A. VCF-style: chrX-108595575-G-A. GRCh37 (hg19) VCF-style: chrX-107838805-G-A.
Other names: c.1490G>A, p.Gly497Asp (NM_000495.5); short protein forms G497D.
Identifiers: ClinVar variation 1522713 (VCV001522713.10), dbSNP rs2147806122, ClinGen allele CA413935983.